The following is an entry in ClinVar:

ClinVar aggregate classification (germline): Uncertain significance (1 of 4 stars; one submission).

Submission:

Labcorp Genetics (formerly Invitae), Labcorp
Classification: Uncertain significance. Last evaluated: 2025-03-17. Review status: criteria provided, single submitter. Criteria: Invitae Variant Classification Sherloc (09022015). Collection method: clinical testing. Allele origin: germline.
Comment: This sequence change replaces glutamine, which is neutral and polar, with arginine, which is basic and polar, at codon 382 of the CACNA2D4 protein (p.Gln382Arg). This variant is not present in population databases (gnomAD no frequency). This variant has not been reported in the literature in individuals affected with CACNA2D4-related conditions. ClinVar contains an entry for this variant (Variation ID: 1058005). An algorithm developed to predict the effect of missense changes on protein structure and function outputs the following: PolyPhen-2: "Benign". The arginine amino acid residue is found in multiple mammalian species, which suggests that this missense change does not adversely affect protein function. In summary, the available evidence is currently insufficient to determine the role of this variant in disease. Therefore, it has been classified as a Variant of Uncertain Significance.

NM_172364.5(CACNA2D4):c.1145A>G (p.Gln382Arg)

Gene: CACNA2D4 (calcium voltage-gated channel auxiliary subunit alpha2delta 4; minus strand). Cytogenetic location: 12p13.33.
Variant type: single nucleotide variant.
Coding change: c.1145A>G on transcript NM_172364.5 (MANE Select); coding-DNA position 1145, A replaced by G.
Protein change: p.Gln382Arg; replaces glutamine 382 with arginine.
Molecular consequence: missense variant.
Genome position (GRCh38, 1-based): chr12:1,885,000, T>C on the plus strand (A>G on the coding strand, the complement: CACNA2D4 is on the minus strand). VCF-style: chr12-1885000-T-C. GRCh37 (hg19) VCF-style: chr12-1994166-T-C.
Other names: short protein forms Q382R.
Identifiers: ClinVar variation 1058005 (VCV001058005.9), dbSNP rs2154449755, ClinGen allele CA383358987.
Genomic context (GRCh38, chr12:1,885,000, plus strand): 5'-CGCCTTCCTCCCAGTCCTCCCCTCCCAGGCCTCATTACAGTGGGCACCTGCTTCAGGATC[T>C]GGAAGGCTTCTCTCAGGGCTTGGTCCACGACCCCCACACCTTTGACCATCAACTCCTCCA-3'
Protein context (NP_758952.4, residues 372-392): VVDQALREAF[Gln382Arg]ILKQFQEAKQ